The following is an entry in ClinVar:

ClinVar aggregate classification (germline): Uncertain significance. Review status: criteria provided, multiple submitters, no conflicts (2 of 4 stars). 2 submissions from 2 submitters: Uncertain significance (2). Last evaluated 2024-03-15.

Conditions:
Episodic ataxia type 2 (EA2). Also called: ACETAZOLAMIDE-RESPONSIVE HEREDITARY PAROXYSMAL CEREBELLAR ATAXIA; CEREBELLAR ATAXIA, PAROXYSMAL, ACETAZOLAMIDE-RESPONSIVE; CEREBELLOPATHY, HEREDITARY PAROXYSMAL; EPISODIC ATAXIA, NYSTAGMUS-ASSOCIATED; ATAXIA, EPISODIC, WITH NYSTAGMUS; ATAXIA, FAMILIAL PAROXYSMAL. Identifiers: Orphanet 97, MedGen C1720416, MONDO:0007163, OMIM 108500.
Developmental and epileptic encephalopathy, 42 (DEE42A). Also called: DEVELOPMENTAL AND EPILEPTIC ENCEPHALOPATHY 42A; EPILEPTIC ENCEPHALOPATHY, EARLY INFANTILE, 42A; Epileptic encephalopathy, early infantile, 42. Identifiers: MedGen C4310716, MONDO:0014917, OMIM 617106.

Allele frequency attached by ClinVar (database versions not stated): ExAC 0.00001; gnomAD 0.00001; TOPMed 0.00002; ESP Exome Variant Server 0.00008.
gnomAD v4.1: 1 of 1,613,068 alleles (0.000062%); highest among the groups gnomAD compares: African/African-American, 0.0013%; no homozygotes.

Submissions (2):

Athena Diagnostics
Classification: Uncertain significance. Last evaluated: 2024-03-15. Review status: criteria provided, single submitter. Criteria: Athena Diagnostics Criteria. Collection method: clinical testing. Allele origin: unknown.
Comment: Available data are insufficient to determine the clinical significance of the variant at this time. The frequency of this variant in the general population is uninformative in assessment of its pathogenicity. Computational tools predict that this variant is not damaging.

Labcorp Genetics (formerly Invitae), Labcorp
Classification: Uncertain significance for Developmental and epileptic encephalopathy, 42; Episodic ataxia type 2. Last evaluated: 2021-02-08. Review status: criteria provided, single submitter. Criteria: Invitae Variant Classification Sherloc (09022015). Collection method: clinical testing. Allele origin: germline.
Comment: In summary, the available evidence is currently insufficient to determine the role of this variant in disease. Therefore, it has been classified as a Variant of Uncertain Significance. Algorithms developed to predict the effect of missense changes on protein structure and function (SIFT, PolyPhen-2, Align-GVGD) all suggest that this variant is likely to be tolerated, but these predictions have not been confirmed by published functional studies and their clinical significance is uncertain. This variant has not been reported in the literature in individuals with CACNA1A-related disease. This variant is present in population databases (rs369920914, ExAC 0.01%). This sequence change replaces lysine with asparagine at codon 472 of the CACNA1A protein (p.Lys472Asn). The lysine residue is highly conserved and there is a moderate physicochemical difference between lysine and asparagine.

NM_001127222.2(CACNA1A):c.1413G>C (p.Lys471Asn)

Gene: CACNA1A (calcium voltage-gated channel subunit alpha1 A; minus strand). Cytogenetic location: 19p13.13.
Variant type: single nucleotide variant.
Coding change: c.1413G>C on transcript NM_001127222.2 (MANE Select); coding-DNA position 1413, G replaced by C.
Protein change: p.Lys471Asn; replaces lysine 471 with asparagine.
Molecular consequence: missense variant.
Genome position (GRCh38, 1-based): chr19:13,317,254, C>G on the plus strand (G>C on the coding strand, the complement: CACNA1A is on the minus strand). VCF-style: chr19-13317254-C-G. GRCh37 (hg19) VCF-style: chr19-13428068-C-G.
Other names: c.1416G>C (NM_000068.2); c.1416G>C, p.Lys472Asn (NM_000068.4, NM_001127221.2, NM_001174080.2 and 1 more transcripts); short protein forms K472N, K471N.
Identifiers: ClinVar variation 574943 (VCV000574943.10), dbSNP rs369920914, ClinGen allele CA9240816.